The following is an entry in ClinVar:

NM_001183.6(ATP6AP1):c.944G>A (p.Arg315Gln)

Gene: ATP6AP1 (ATPase H+ transporting accessory protein 1; plus strand). Cytogenetic location: Xq28.
Variant type: single nucleotide variant.
Coding change: c.944G>A on transcript NM_001183.6 (MANE Select); coding-DNA position 944, G replaced by A.
Protein change: p.Arg315Gln; replaces arginine 315 with glutamine.
Molecular consequence: missense variant.
Genome position (GRCh38, 1-based): chrX:154,435,159, G>A. VCF-style: chrX-154435159-G-A. GRCh37 (hg19) VCF-style: chrX-153663505-G-A.
Other names: short protein forms R315Q.
Identifiers: ClinVar variation 3612408 (VCV003612408.2).

ClinVar aggregate classification (germline): Uncertain significance (1 of 4 stars; one submission).

gnomAD v4.1: 11 of 1,209,809 alleles (0.00091%); highest among the groups gnomAD compares: Admixed American, 0.0022%; no homozygotes.

Submission:

Labcorp Genetics (formerly Invitae), Labcorp
Classification: Uncertain significance. Last evaluated: 2024-12-12. Review status: criteria provided, single submitter. Criteria: Invitae Variant Classification Sherloc (09022015). Collection method: clinical testing. Allele origin: germline.
Comment: This sequence change replaces arginine, which is basic and polar, with glutamine, which is neutral and polar, at codon 315 of the ATP6AP1 protein (p.Arg315Gln). This variant is not present in population databases (gnomAD no frequency). This variant has not been reported in the literature in individuals affected with ATP6AP1-related conditions. Invitae Evidence Modeling of protein sequence and biophysical properties (such as structural, functional, and spatial information, amino acid conservation, physicochemical variation, residue mobility, and thermodynamic stability) indicates that this missense variant is not expected to disrupt ATP6AP1 protein function with a negative predictive value of 80%. In summary, the available evidence is currently insufficient to determine the role of this variant in disease. Therefore, it has been classified as a Variant of Uncertain Significance.